The following is an entry in ClinVar:

ClinVar aggregate classification (germline): Uncertain significance (1 of 4 stars; one submission).

Conditions:
Catecholaminergic polymorphic ventricular tachycardia 1. Also called: VENTRICULAR TACHYCARDIA, CATECHOLAMINERGIC POLYMORPHIC, 1, WITH OR WITHOUT ATRIAL DYSFUNCTION AND/OR DILATED CARDIOMYOPATHY; RYR2-Related Catecholaminergic Polymorphic Ventricular Tachycardia; VENTRICULAR TACHYCARDIA, STRESS-INDUCED POLYMORPHIC 1. Identifiers: Orphanet 3286, MedGen C1631597, MONDO:0011484, OMIM 604772.

Submission:

Labcorp Genetics (formerly Invitae), Labcorp
Classification: Uncertain significance for Catecholaminergic polymorphic ventricular tachycardia 1. Last evaluated: 2022-05-27. Review status: criteria provided, single submitter. Criteria: Invitae Variant Classification Sherloc (09022015). Collection method: clinical testing. Allele origin: germline.
Comment: In summary, the available evidence is currently insufficient to determine the role of this variant in disease. Therefore, it has been classified as a Variant of Uncertain Significance. Experimental studies and prediction algorithms are not available or were not evaluated, and the functional significance of this variant is currently unknown. This variant has not been reported in the literature in individuals affected with CASQ2-related conditions. This variant results in a copy number gain of the genomic region encompassing exon(s) 1 of the CASQ2 gene. This region includes the initiator codon of the gene. This copy number gain extends beyond the assayed region for this gene and therefore may encompass additional genes. As the precise location of this event is unknown, it may be in tandem or it may be located elsewhere in the genome.

NC_000001.10:g.(?_116310909)_(116947066_?)dup

Genes: ATP1A1 (ATPase Na+/K+ transporting subunit alpha 1; plus strand), CASQ2 (calsequestrin 2; minus strand), LINC01649 (long intergenic non-protein coding RNA 1649; plus strand), MAB21L3 (mab-21 like 3; plus strand), NHLH2 (nescient helix-loop-helix 2; minus strand) and 1 more. Cytogenetic location: 1p13.1.
Variant type: Duplication.
Identifiers: ClinVar variation 2423983 (VCV002423983.4).